The following is an entry in ClinVar:

NM_000709.4(BCKDHA):c.416G>T (p.Gly139Val)

Gene: BCKDHA (branched chain keto acid dehydrogenase E1 subunit alpha; plus strand). Cytogenetic location: 19q13.2.
Variant type: single nucleotide variant.
Coding change: c.416G>T on transcript NM_000709.4 (MANE Select); coding-DNA position 416, G replaced by T.
Protein change: p.Gly139Val; replaces glycine 139 with valine.
Molecular consequence: missense variant.
Genome position (GRCh38, 1-based): chr19:41,414,089, G>T. VCF-style: chr19-41414089-G-T. GRCh37 (hg19) VCF-style: chr19-41919994-G-T.
Other names: c.416G>T, p.Gly139Val (NM_001164783.2); short protein forms G139V.
Identifiers: ClinVar variation 5003803 (VCV005003803.1).

ClinVar aggregate classification (germline): Uncertain significance (1 of 4 stars; one submission).

Conditions:
Maple syrup urine disease type 1A (MSUD1A). Also called: MSUD type 1A. Identifiers: MedGen C1855369, MONDO:0023691, OMIM 248600.

Submission:

Myriad Genetics, Inc.
Classification: Uncertain significance for Maple syrup urine disease type 1A. Last evaluated: 2026-01-28. Review status: criteria provided, single submitter. Criteria: Myriad Autosomal Dominant, Autosomal Recessive and X-Linked Classification Criteria (2023). Collection method: clinical testing. Allele origin: unknown.
Comment: NM_000709.3(BCKDHA):c.416G>T(G139V) is a missense variant classified as a variant of uncertain significance in the context of maple syrup urine disease type Ia. G139V has been observed in a case with relevant disease (PMID: 16601891). Relevant functional assessments of this variant are not available in the literature. G139V has not been observed in referenced population frequency databases. In summary, there is insufficient evidence to classify NM_000709.3(BCKDHA):c.416G>T(G139V) as pathogenic or benign. Please note: this variant was assessed in the context of healthy population screening.

Literature cited by the submitters: PubMed 16601891.